The following is an entry in ClinVar:

ClinVar aggregate classification (germline): Uncertain significance (1 of 4 stars; one submission).

Conditions:
Dilated cardiomyopathy 1JJ (CMD1JJ). Identifiers: Orphanet 154, MedGen C3808935, MONDO:0014095, OMIM 615235.

Allele frequency attached by ClinVar (database versions not stated): gnomAD exomes below 0.00001.

Submission:

Labcorp Genetics (formerly Invitae), Labcorp
Classification: Uncertain significance for Dilated cardiomyopathy 1JJ. Last evaluated: 2023-07-08. Review status: criteria provided, single submitter. Criteria: Invitae Variant Classification Sherloc (09022015). Collection method: clinical testing. Allele origin: germline.
Comment: In summary, the available evidence is currently insufficient to determine the role of this variant in disease. Therefore, it has been classified as a Variant of Uncertain Significance. This variant has not been reported in the literature in individuals affected with LAMA4-related conditions. This variant is not present in population databases (gnomAD no frequency). This sequence change creates a premature translational stop signal (p.Ser1809*) in the LAMA4 gene. While this is not anticipated to result in nonsense mediated decay, it is expected to disrupt the last 8 amino acid(s) of the LAMA4 protein.

NM_001105206.3(LAMA4):c.5443_5444dup (p.Val1815_Ser1816insTer)

Gene: LAMA4 (laminin subunit alpha 4; minus strand). Cytogenetic location: 6q21.
Variant type: Duplication.
Coding change: c.5443_5444dup on transcript NM_001105206.3 (MANE Select); coding-DNA positions 5443 to 5444, 2 bases duplicated (GT; older notation c.5443_5444dupGT).
Protein change: p.Val1815_Ser1816insTer.
Molecular consequence: frameshift variant.
Genome position (GRCh38, 1-based): chr6:112,109,465-112,109,466, AC duplicated on the plus strand (GT on the coding strand, the reverse complement: LAMA4 is on the minus strand). VCF-style (leftmost placement, unchanged base first): chr6-112109464-T-TAC. GRCh37 (hg19) VCF-style: chr6-112430667-T-TAC.
Other names: c.5422_5423dup, p.Val1808_Ser1809insTer (NM_001105207.3, NM_002290.5).
Identifiers: ClinVar variation 2738897 (VCV002738897.3), dbSNP rs2546957014, ClinGen allele CA2680049502.